The following is an entry in ClinVar:

ClinVar aggregate classification (germline): Uncertain significance (1 of 4 stars; one submission).

Allele frequency attached by ClinVar (database versions not stated): TOPMed 0.00002.
gnomAD v4.1: 7 of 1,613,772 alleles (0.00043%); highest among the groups gnomAD compares: Admixed American, 0.01%; no homozygotes.

Submission:

Labcorp Genetics (formerly Invitae), Labcorp
Classification: Uncertain significance. Last evaluated: 2021-10-10. Review status: criteria provided, single submitter. Criteria: Invitae Variant Classification Sherloc (09022015). Collection method: clinical testing. Allele origin: germline.
Comment: In summary, the available evidence is currently insufficient to determine the role of this variant in disease. Therefore, it has been classified as a Variant of Uncertain Significance. Algorithms developed to predict the effect of missense changes on protein structure and function (SIFT, PolyPhen-2, Align-GVGD) all suggest that this variant is likely to be disruptive. This missense change has been observed in individual(s) with Leber congenital amaurosis (Invitae). This variant is not present in population databases (ExAC no frequency). This sequence change replaces aspartic acid with histidine at codon 1937 of the VCAN protein (p.Asp1937His). The aspartic acid residue is highly conserved and there is a moderate physicochemical difference between aspartic acid and histidine.

NM_004385.5(VCAN):c.5809G>C (p.Asp1937His)

Genes: VCAN (versican; plus strand), VCAN-AS1 (VCAN antisense RNA 1; minus strand). Cytogenetic location: 5q14.3.
Variant type: single nucleotide variant.
Coding change: c.5809G>C on transcript NM_004385.5 (MANE Select); coding-DNA position 5809, G replaced by C.
Protein change: p.Asp1937His; replaces aspartic acid 1937 with histidine.
Molecular consequence: missense variant. On other transcripts: intron variant (2).
Genome position (GRCh38, 1-based): chr5:83,538,812, G>C. VCF-style: chr5-83538812-G-C. GRCh37 (hg19) VCF-style: chr5-82834631-G-C.
Other names: c.2848G>C, p.Asp950His (NM_001164097.2); c.4004-6725G>C (NM_001164098.2); c.1043-6725G>C (NM_001126336.3); short protein forms D950H, D1937H.
Identifiers: ClinVar variation 1499798 (VCV001499798.6), dbSNP rs756870122, ClinGen allele CA121809781.